The following is an entry in ClinVar:

ClinVar aggregate classification (germline): Uncertain significance (1 of 4 stars; one submission).

Allele frequency attached by ClinVar (database versions not stated): gnomAD exomes below 0.00001 and 0.00001; TOPMed below 0.00001; gnomAD 0.00001.
gnomAD v4.1: 13 of 1,603,976 alleles (0.00081%); highest among the groups gnomAD compares: Middle Eastern, 0.016%; no homozygotes.

Submission:

Labcorp Genetics (formerly Invitae), Labcorp
Classification: Uncertain significance. Last evaluated: 2021-05-07. Review status: criteria provided, single submitter. Criteria: Invitae Variant Classification Sherloc (09022015). Collection method: clinical testing. Allele origin: germline.
Comment: This sequence change falls in intron 7 of the NBAS gene. It does not directly change the encoded amino acid sequence of the NBAS protein. It affects a nucleotide within the consensus splice site of the intron. This variant is not present in population databases (ExAC no frequency). This variant has not been reported in the literature in individuals with NBAS-related conditions. Nucleotide substitutions within the consensus splice site are a relatively common cause of aberrant splicing (PMID: 17576681, 9536098). Algorithms developed to predict the effect of sequence changes on RNA splicing suggest that this variant may create or strengthen a splice site, but this prediction has not been confirmed by published transcriptional studies. In summary, the available evidence is currently insufficient to determine the role of this variant in disease. Therefore, it has been classified as a Variant of Uncertain Significance.

Literature cited by the submitters: PubMed 17576681; PubMed 9536098.

NM_015909.4(NBAS):c.513+4T>A

Gene: NBAS (NBAS subunit of NRZ tethering complex; minus strand). Cytogenetic location: 2p24.3.
Variant type: single nucleotide variant.
Coding change: c.513+4T>A on transcript NM_015909.4 (MANE Select); 4 bases into the intron after coding-DNA position 513, T replaced by A.
Molecular consequence: intron variant.
Genome position (GRCh38, 1-based): chr2:15,539,219, A>T on the plus strand (T>A on the coding strand, the complement: NBAS is on the minus strand). VCF-style: chr2-15539219-A-T. GRCh37 (hg19) VCF-style: chr2-15679343-A-T.
Identifiers: ClinVar variation 1353673 (VCV001353673.3), dbSNP rs1330042779, ClinGen allele CA424870333.